The following is an entry in ClinVar:

NM_002528.7(NTHL1):c.282G>C (p.Met94Ile)

Gene: NTHL1 (nth like DNA glycosylase 1; minus strand). Cytogenetic location: 16p13.3.
Variant type: single nucleotide variant.
Coding change: c.282G>C on transcript NM_002528.7 (MANE Select); coding-DNA position 282, G replaced by C.
Protein change: p.Met94Ile; replaces methionine 94 with isoleucine.
Molecular consequence: missense variant. On other transcripts: intron variant (1).
Genome position (GRCh38, 1-based): chr16:2,046,200, C>G on the plus strand (G>C on the coding strand, the complement: NTHL1 is on the minus strand). VCF-style: chr16-2046200-C-G. GRCh37 (hg19) VCF-style: chr16-2096201-C-G.
Other names: c.282G>C, p.Met94Ile (LRG_1366t1, NM_001318193.2); c.24+80G>C (NM_001318194.2); short protein forms M94I.
Identifiers: ClinVar variation 646936 (VCV000646936.13), dbSNP rs1276674075, ClinGen allele CA394295709.

ClinVar aggregate classification (germline): Uncertain significance. Review status: criteria provided, multiple submitters, no conflicts (2 of 4 stars). 3 submissions from 3 submitters: Uncertain significance (3). Last evaluated 2025-12-08.

Conditions:
Hereditary cancer-predisposing syndrome. Also called: Hereditary Cancer Syndrome; Tumor predisposition; Hereditary neoplastic syndrome; Neoplastic Syndromes, Hereditary. Identifiers: Orphanet 140162, MedGen C0027672, MeSH D009386, MONDO:0015356.

Allele frequency attached by ClinVar (database versions not stated): gnomAD exomes below 0.00001 and 0.00001; gnomAD 0.00001; TOPMed 0.00001.

Submissions (3):

Ambry Genetics
Classification: Uncertain significance for Hereditary cancer-predisposing syndrome. Last evaluated: 2025-12-08. Review status: criteria provided, single submitter. Criteria: Ambry Variant Classification Scheme 2023. Collection method: clinical testing. Allele origin: germline.
Comment: The p.M102I variant (also known as c.306G>C), located in coding exon 2 of the NTHL1 gene, results from a G to C substitution at nucleotide position 306. The methionine at codon 102 is replaced by isoleucine, an amino acid with highly similar properties. This amino acid position is conserved. In addition, this alteration is predicted to be deleterious by in silico analysis. Based on the available evidence, the clinical significance of this variant remains unclear.

Labcorp Genetics (formerly Invitae), Labcorp
Classification: Uncertain significance. Last evaluated: 2025-11-24. Review status: criteria provided, single submitter. Criteria: Invitae Variant Classification Sherloc (09022015). Collection method: clinical testing. Allele origin: germline.
Comment: This sequence change replaces methionine, which is neutral and non-polar, with isoleucine, which is neutral and non-polar, at codon 102 of the NTHL1 protein (p.Met102Ile). This variant is present in population databases (no rsID available, gnomAD 0.0009%). This variant has not been reported in the literature in individuals affected with NTHL1-related conditions. ClinVar contains an entry for this variant (Variation ID: 646936). An algorithm developed to predict the effect of missense changes on protein structure and function (PolyPhen-2) suggests that this variant is likely to be tolerated. In summary, the available evidence is currently insufficient to determine the role of this variant in disease. Therefore, it has been classified as a Variant of Uncertain Significance.

GeneDx
Classification: Uncertain significance. Last evaluated: 2022-03-03. Review status: criteria provided, single submitter. Criteria: GeneDx Variant Classification Process June 2021. Collection method: clinical testing. Allele origin: germline. Affected: yes.
Comment: Not observed at significant frequency in large population cohorts (gnomAD); In silico analysis supports that this missense variant has a deleterious effect on protein structure/function; Has not been previously published as pathogenic or benign to our knowledge